The following is an entry in ClinVar:

ClinVar aggregate classification (germline): Likely benign. Review status: criteria provided, single submitter (1 of 4 stars). 2 submissions from 2 submitters: Likely benign (1). 1 of the submissions does not count toward it. Last evaluated 2025-11-04.

Conditions:
Cohen syndrome (COH1). Also called: PEPPER SYNDROME; Cutis verticis gyrata, retinitis pigmentosa, and sensorineural deafness. Identifiers: Orphanet 193, MedGen C0265223, MONDO:0008999, OMIM 216550.
VPS13B-related disorder. Also called: VPS13B-related condition.

Allele frequency attached by ClinVar (database versions not stated): TOPMed 0.00001; ExAC 0.00002; gnomAD exomes 0.00002; gnomAD 0.00003.
gnomAD v4.1: 28 of 1,613,054 alleles (0.0017%); highest among the groups gnomAD compares: Admixed American, 0.015%; no homozygotes.

Submissions (2):

Labcorp Genetics (formerly Invitae), Labcorp
Classification: Likely benign for Cohen syndrome. Last evaluated: 2025-11-04. Review status: criteria provided, single submitter. Criteria: Invitae Variant Classification Sherloc (09022015). Collection method: clinical testing. Allele origin: germline.

PreventionGenetics, part of Exact Sciences
Classification: Likely benign for VPS13B-related condition. Last evaluated: 2023-01-29. Review status: no assertion criteria provided. Collection method: clinical testing. Allele origin: germline. Not counted in ClinVar's aggregate classification.
Comment: This variant is classified as likely benign based on ACMG/AMP sequence variant interpretation guidelines (Richards et al. 2015 PMID: 25741868, with internal and published modifications).

NM_152564.5(VPS13B):c.10725C>T (p.His3575=)

Gene: VPS13B (vacuolar protein sorting 13 homolog B; plus strand). Cytogenetic location: 8q22.2.
Variant type: single nucleotide variant.
Coding change: c.10725C>T on transcript NM_152564.5 (MANE Select); coding-DNA position 10725, C replaced by T.
Protein change: p.His3575=; no amino-acid change (histidine 3575 retained).
Molecular consequence: synonymous variant.
Genome position (GRCh38, 1-based): chr8:99,854,114, C>T. VCF-style: chr8-99854114-C-T. GRCh37 (hg19) VCF-style: chr8-100866342-C-T.
Other names: c.10725C>T (NM_152564.4); c.10800C>T, p.His3600= (NM_017890.5).
Identifiers: ClinVar variation 1144030 (VCV001144030.11), dbSNP rs757408143, ClinGen allele CA4825008.